The following is an entry in ClinVar:

NM_017739.4(POMGNT1):c.1467G>A (p.Glu489=)

Genes: POMGNT1 (protein O-linked mannose N-acetylglucosaminyltransferase 1 (beta 1,2-); minus strand), TSPAN1 (tetraspanin 1; plus strand). Cytogenetic location: 1p34.1.
Variant type: single nucleotide variant.
Coding change: c.1467G>A on transcript NM_017739.4 (MANE Select); coding-DNA position 1467, G replaced by A.
Protein change: p.Glu489=; no amino-acid change (glutamic acid 489 retained).
Molecular consequence: synonymous variant.
Genome position (GRCh38, 1-based): chr1:46,192,170, C>T on the plus strand (G>A on the coding strand, the complement: POMGNT1 is on the minus strand). VCF-style: chr1-46192170-C-T. GRCh37 (hg19) VCF-style: chr1-46657842-C-T.
Other names: c.1467G>A, p.Glu489= (NM_001243766.2, NM_001410783.1); c.1401G>A, p.Glu467= (NM_001290129.3); c.1038G>A, p.Glu346= (NM_001290130.2).
Identifiers: ClinVar variation 1116193 (VCV001116193.23), dbSNP rs760759400, ClinGen allele CA833360.

ClinVar aggregate classification (germline): Likely benign. Review status: criteria provided, multiple submitters, no conflicts (2 of 4 stars). 2 submissions from 2 submitters: Likely benign (2). Last evaluated 2025-03-01.

Conditions:
Autosomal recessive limb-girdle muscular dystrophy type 2O. Also called: MUSCULAR DYSTROPHY-DYSTROGLYCANOPATHY (LIMB-GIRDLE), TYPE C, 3; Limb-Girdle Muscular Dystrophy Type 3C; MUSCULAR DYSTROPHY-DYSTROGLYCANOPATHY, LIMB-GIRDLE, POMGNT1-RELATED. Identifiers: Orphanet 206564, MedGen C3150417, MONDO:0013161, OMIM 613157.
Muscular dystrophy-dystroglycanopathy (congenital with impaired intellectual development), type B, 3. Also called: Muscular dystrophy-dystroglycanopathy (congenital with intellectual disability), type B3; MUSCULAR DYSTROPHY, CONGENITAL, POMGNT1-RELATED. Identifiers: MedGen C3150412, MONDO:0013155, OMIM 613151.

Allele frequency attached by ClinVar (database versions not stated): gnomAD exomes 0.00001; gnomAD 0.00003; ExAC 0.00001; TOPMed 0.00002.
gnomAD v4.1: 10 of 1,614,050 alleles (0.00062%); highest among the groups gnomAD compares: African/African-American, 0.0067%; no homozygotes.

Submissions (2):

CeGaT Center for Human Genetics Tuebingen
Classification: Likely benign. Last evaluated: 2025-03-01. Review status: criteria provided, single submitter. Criteria: CeGaT Center For Human Genetics Tuebingen Variant Classification Criteria Version 2. Collection method: clinical testing. Allele origin: germline. Affected: yes. Observed: 3 variant alleles.
Comment: POMGNT1: BP4, BP7

Labcorp Genetics (formerly Invitae), Labcorp
Classification: Likely benign for Autosomal recessive limb-girdle muscular dystrophy type 2O; Muscular dystrophy-dystroglycanopathy (congenital with impaired intellectual development), type B, 3. Last evaluated: 2024-03-08. Review status: criteria provided, single submitter. Criteria: Invitae Variant Classification Sherloc (09022015). Collection method: clinical testing. Allele origin: germline.